The following is an entry in ClinVar:

NM_000942.5(PPIB):c.548A>C (p.Glu183Ala)

Genes: PPIB (peptidylprolyl isomerase B; minus strand), SNX22 (sorting nexin 22; plus strand). Cytogenetic location: 15q22.31.
Variant type: single nucleotide variant.
Coding change: c.548A>C on transcript NM_000942.5 (MANE Select); coding-DNA position 548, A replaced by C.
Protein change: p.Glu183Ala; replaces glutamic acid 183 with alanine.
Molecular consequence: missense variant. On other transcripts: 3 prime UTR variant (1), non-coding transcript variant (1).
Genome position (GRCh38, 1-based): chr15:64,156,126, T>G on the plus strand (A>C on the coding strand, the complement: PPIB is on the minus strand). VCF-style: chr15-64156126-T-G. GRCh37 (hg19) VCF-style: chr15-64448325-T-G.
Other names: c.*1618T>G (NM_024798.3); short protein forms E183A.
Identifiers: ClinVar variation 1376786 (VCV001376786.4), dbSNP rs369952028, ClinGen allele CA7608436.
Genomic context (GRCh38, chr15:64,156,126, plus strand): 5'-CCGCAGTCTGCGATGATCACATCCTTCAGGGGTTTATCCCGGCTGTCTGTCTTGGTGCTC[T>G]CCACCTTCCGCACCACCTCCTGGAAAAGAAAGGTGGAAGCAGGAGGGCATGGTGGATCAG-3'
Protein context (NP_000933.1, residues 173-193): LEGMEVVRKV[Glu183Ala]STKTDSRDKP

ClinVar aggregate classification (germline): Uncertain significance. Review status: criteria provided, multiple submitters, no conflicts (2 of 4 stars). 2 submissions from 2 submitters: Uncertain significance (2). Last evaluated 2025-08-11.

Conditions:
Inborn genetic diseases. Identifiers: MedGen C0950123, MeSH D030342.

Allele frequency attached by ClinVar (database versions not stated): ExAC 0.00003; gnomAD exomes 0.00004; ESP Exome Variant Server 0.00008; gnomAD 0.00008.
gnomAD v4.1: 131 of 1,614,044 alleles (0.0081%); highest among the groups gnomAD compares: Non-Finnish European, 0.011%; no homozygotes.

Submissions (2):

Ambry Genetics
Classification: Uncertain significance for Inborn genetic diseases. Last evaluated: 2025-08-11. Review status: criteria provided, single submitter. Criteria: Ambry Variant Classification Scheme 2023. Collection method: clinical testing. Allele origin: germline.

Labcorp Genetics (formerly Invitae), Labcorp
Classification: Uncertain significance. Last evaluated: 2022-08-22. Review status: criteria provided, single submitter. Criteria: Invitae Variant Classification Sherloc (09022015). Collection method: clinical testing. Allele origin: germline.
Comment: This sequence change replaces glutamic acid, which is acidic and polar, with alanine, which is neutral and non-polar, at codon 183 of the PPIB protein (p.Glu183Ala). This variant is present in population databases (rs369952028, gnomAD 0.007%). This variant has not been reported in the literature in individuals affected with PPIB-related conditions. ClinVar contains an entry for this variant (Variation ID: 1376786). Algorithms developed to predict the effect of missense changes on protein structure and function (SIFT, PolyPhen-2, Align-GVGD) all suggest that this variant is likely to be disruptive. In summary, the available evidence is currently insufficient to determine the role of this variant in disease. Therefore, it has been classified as a Variant of Uncertain Significance.